The following is an entry in ClinVar:

NM_001414.4(EIF2B1):c.428C>T (p.Ala143Val)

Gene: EIF2B1 (eukaryotic translation initiation factor 2B subunit alpha; minus strand). Cytogenetic location: 12q24.31.
Variant type: single nucleotide variant.
Coding change: c.428C>T on transcript NM_001414.4 (MANE Select); coding-DNA position 428, C replaced by T.
Protein change: p.Ala143Val; replaces alanine 143 with valine.
Molecular consequence: missense variant.
Genome position (GRCh38, 1-based): chr12:123,627,098, G>A on the plus strand (C>T on the coding strand, the complement: EIF2B1 is on the minus strand). VCF-style: chr12-123627098-G-A. GRCh37 (hg19) VCF-style: chr12-124111645-G-A.
Other names: short protein forms A143V.
Identifiers: ClinVar variation 1467898 (VCV001467898.3), dbSNP rs774320069, ClinGen allele CA6860133.

ClinVar aggregate classification (germline): Uncertain significance (1 of 4 stars; one submission).

Allele frequency attached by ClinVar (database versions not stated): gnomAD 0.00001; gnomAD exomes 0.00001 and 0.00003; TOPMed 0.00001; ExAC 0.00003.
gnomAD v4.1: 20 of 1,614,040 alleles (0.0012%); highest among the groups gnomAD compares: Admixed American, 0.005%; no homozygotes.

Submission:

Labcorp Genetics (formerly Invitae), Labcorp
Classification: Uncertain significance. Last evaluated: 2022-10-24. Review status: criteria provided, single submitter. Criteria: Invitae Variant Classification Sherloc (09022015). Collection method: clinical testing. Allele origin: germline.
Comment: This sequence change replaces alanine, which is neutral and non-polar, with valine, which is neutral and non-polar, at codon 143 of the EIF2B1 protein (p.Ala143Val). This variant is present in population databases (rs774320069, gnomAD 0.02%). This variant has not been reported in the literature in individuals affected with EIF2B1-related conditions. ClinVar contains an entry for this variant (Variation ID: 1467898). Advanced modeling of protein sequence and biophysical properties (such as structural, functional, and spatial information, amino acid conservation, physicochemical variation, residue mobility, and thermodynamic stability) performed at Invitae indicates that this missense variant is not expected to disrupt EIF2B1 protein function. In summary, the available evidence is currently insufficient to determine the role of this variant in disease. Therefore, it has been classified as a Variant of Uncertain Significance.